The following is an entry in ClinVar:

NM_000132.4(F8):c.5911A>C (p.Asn1971His)

Gene: F8 (coagulation factor VIII; minus strand). Cytogenetic location: Xq28.
Variant type: single nucleotide variant.
Coding change: c.5911A>C on transcript NM_000132.4 (MANE Select); coding-DNA position 5911, A replaced by C.
Protein change: p.Asn1971His; replaces asparagine 1971 with histidine.
Molecular consequence: missense variant.
Genome position (GRCh38, 1-based): chrX:154,903,993, T>G on the plus strand (A>C on the coding strand, the complement: F8 is on the minus strand). VCF-style: chrX-154903993-T-G. GRCh37 (hg19) VCF-style: chrX-154132268-T-G.
Other names: p.Asn1971His; short protein forms N1971H.
Identifiers: ClinVar variation 4542518 (VCV004542518.1).
Genomic context (GRCh38, chrX:154,903,993, plus strand): 5'-TATACTCCTCTTTTTTTCGTACAGTGAACACATGTCCACTGAAATGAATAGAATGGATGT[T>G]TTCATTGCTGCCCATGCTGAGCAGATACCATCGAATCCTTTGATCCTGAGCCATTACTAA-3'
Protein context (NP_000123.1, residues 1961-1981): WYLLSMGSNE[Asn1971His]IHSIHFSGHV

ClinVar aggregate classification (germline): Uncertain significance (1 of 4 stars; one submission).

Submission:

Mayo Clinic Laboratories, Mayo Clinic
Classification: Uncertain significance. Last evaluated: 2025-03-25. Review status: criteria provided, single submitter. Criteria: ACMG Guidelines, 2015. Collection method: clinical testing. Allele origin: germline. Observed: 1 variant allele.
Comment: PM1, PM2_supporting

Literature cited by the submitters: PubMed 29296726; PubMed 35770352.